The following is an entry in ClinVar:

NM_022437.3(ABCG8):c.675G>A (p.Val225=)

Gene: ABCG8 (ATP binding cassette subfamily G member 8; plus strand). Cytogenetic location: 2p21.
Variant type: single nucleotide variant.
Coding change: c.675G>A on transcript NM_022437.3 (MANE Select); coding-DNA position 675, G replaced by A.
Protein change: p.Val225=; no amino-acid change (valine 225 retained).
Molecular consequence: synonymous variant.
Genome position (GRCh38, 1-based): chr2:43,852,467, G>A. VCF-style: chr2-43852467-G-A. GRCh37 (hg19) VCF-style: chr2-44079606-G-A.
Other names: p.Val225=; c.675G>A, p.Val225= (NM_001357321.2).
Identifiers: ClinVar variation 336072 (VCV000336072.25), dbSNP rs9282575, ClinGen allele CA1637113.

ClinVar aggregate classification (germline): Benign/Likely benign. Review status: criteria provided, multiple submitters, no conflicts (2 of 4 stars). 10 submissions from 10 submitters: Benign (9); Likely benign (1). Last evaluated 2026-02-04.

Conditions:
Sitosterolemia 1. Identifiers: MedGen C2749759, MONDO:0020747, OMIM 210250.
Cardiovascular phenotype. Identifiers: MedGen CN230736.

Allele frequency attached by ClinVar (database versions not stated): 1000 Genomes Project 30x 0.04497; 1000 Genomes Project 0.04653; gnomAD 0.04664 and 0.04772; gnomAD exomes 0.04827; TOPMed 0.04857; ExAC 0.05089; ESP Exome Variant Server 0.05367.
gnomAD v4.1: 80,188 of 1,613,262 alleles (5%); highest among the groups gnomAD compares: Middle Eastern, 12%; 2,433 homozygotes.

Submissions (10):

Labcorp Genetics (formerly Invitae), Labcorp
Classification: Benign. Last evaluated: 2026-02-04. Review status: criteria provided, single submitter. Criteria: Invitae Variant Classification Sherloc (09022015). Collection method: clinical testing. Allele origin: germline.

Molecular Diagnostic Laboratory for Inherited Cardiovascular Disease, Montreal Heart Institute
Classification: Benign. Last evaluated: 2025-04-09. Review status: criteria provided, single submitter. Criteria: ACMG Guidelines, 2015. Collection method: clinical testing. Allele origin: germline. Affected: no.

Blueprint Genetics
Classification: Likely benign. Last evaluated: 2024-11-26. Review status: criteria provided, single submitter. Criteria: ACMG Guidelines, 2015. Collection method: clinical testing. Allele origin: germline.

Mayo Clinic Laboratories, Mayo Clinic
Classification: Benign. Last evaluated: 2023-06-19. Review status: criteria provided, single submitter. Criteria: ACMG Guidelines, 2015. Collection method: clinical testing. Allele origin: germline. Observed: 237 variant alleles.

Women's Health and Genetics/Laboratory Corporation of America, LabCorp
Classification: Benign. Last evaluated: 2023-04-10. Review status: criteria provided, single submitter. Criteria: LabCorp Variant Classification Summary - May 2015. Collection method: clinical testing. Allele origin: germline.

Genome-Nilou Lab
Classification: Benign for Sitosterolemia 1. Last evaluated: 2021-05-18. Review status: criteria provided, single submitter. Criteria: ACMG Guidelines, 2015. Collection method: clinical testing. Allele origin: germline. Affected: no.

Ambry Genetics
Classification: Benign for Cardiovascular phenotype. Last evaluated: 2018-12-11. Review status: criteria provided, single submitter. Criteria: Ambry Variant Classification Scheme 2023. Collection method: clinical testing. Allele origin: germline.

GeneDx
Classification: Benign. Last evaluated: 2018-07-09. Review status: criteria provided, single submitter. Criteria: GeneDx Variant Classification Process June 2021. Collection method: clinical testing. Allele origin: germline. Affected: yes.

Illumina Laboratory Services, Illumina
Classification: Benign for Sitosterolemia 1. Last evaluated: 2018-01-13. Review status: criteria provided, single submitter. Criteria: ICSL Variant Classification Criteria 13 December 2019. Collection method: clinical testing. Allele origin: germline.
Comment: This variant was observed in the ICSL laboratory as part of a predisposition screen in an ostensibly healthy population. It had not been previously curated by ICSL or reported in the Human Gene Mutation Database (HGMD: prior to June 1st, 2018), and was therefore a candidate for classification through an automated scoring system. Utilizing variant allele frequency, disease prevalence and penetrance estimates, and inheritance mode, an automated score was calculated to assess if this variant is too frequent to cause the disease. Based on the score and internal cut-off values, a variant classified as benign is not then subjected to further curation. The score for this variant resulted in a classification of benign for this disease.

Breakthrough Genomics
Classification: Benign. Review status: criteria provided, single submitter. Criteria: ACMG Guidelines, 2015. Collection method: not provided. Allele origin: germline. Inheritance: Autosomal recessive inheritance. Affected: yes.